The following is an entry in ClinVar:

ClinVar aggregate classification (germline): Likely pathogenic (1 of 4 stars; one submission).

Conditions:
Pheochromocytoma/paraganglioma syndrome 3. Also called: GLOMUS TUMORS, FAMILIAL, 3; Paragangliomas 3; SDHC-Related Hereditary Paraganglioma-Pheochromocytoma Syndrome (Paragangliomas 3); SDHC-Related Hereditary Paraganglioma-Pheochromocytoma Syndrome. Identifiers: Orphanet 29072, MedGen C1854336, MONDO:0011544, OMIM 605373.

Submission:

Myriad Genetics, Inc.
Classification: Likely pathogenic for Pheochromocytoma/paraganglioma syndrome 3. Last evaluated: 2023-03-15. Review status: criteria provided, single submitter. Criteria: Myriad Autosomal Dominant, Autosomal Recessive and X-Linked Classification Criteria (2023). Collection method: clinical testing. Allele origin: unknown.
Comment: This variant is considered likely pathogenic. This variant occurs within a consensus splice junction and is predicted to result in abnormal mRNA splicing of either an out-of-frame exon or an in-frame exon necessary for protein stability and/or normal function.

NM_003001.5(SDHC):c.406-1G>A

Gene: SDHC (succinate dehydrogenase complex subunit C; plus strand). Cytogenetic location: 1q23.3.
Variant type: single nucleotide variant.
Coding change: c.406-1G>A on transcript NM_003001.5 (MANE Select); the canonical splice acceptor site of the intron before coding-DNA position 406, G replaced by A.
Molecular consequence: splice acceptor variant.
Genome position (GRCh38, 1-based): chr1:161,362,328, G>A. VCF-style: chr1-161362328-G-A. GRCh37 (hg19) VCF-style: chr1-161332118-G-A.
Other names: c.295-1G>A (NM_001407119.1, NM_001407120.1); c.526-1G>A (NM_001407115.1); c.242-1G>A (NM_001035511.3); c.304-1G>A (NM_001035512.3); c.140-1G>A (NM_001278172.3); c.298-1G>A (NM_001407118.1); c.349-1G>A (NM_001407116.1); c.185-1G>A (NM_001407121.1); and 2 more.
Identifiers: ClinVar variation 2573234 (VCV002573234.1), dbSNP rs2102384864, ClinGen allele CA343457510.